The following is an entry in ClinVar:

NM_021930.6(RINT1):c.571C>G (p.Leu191Val)

Gene: RINT1 (RAD50 interactor 1; plus strand). Cytogenetic location: 7q22.3.
Variant type: single nucleotide variant.
Coding change: c.571C>G on transcript NM_021930.6 (MANE Select); coding-DNA position 571, C replaced by G.
Protein change: p.Leu191Val; replaces leucine 191 with valine.
Molecular consequence: missense variant. On other transcripts: 5 prime UTR variant (2), non-coding transcript variant (1), intron variant (1).
Genome position (GRCh38, 1-based): chr7:105,546,965, C>G. VCF-style: chr7-105546965-C-G. GRCh37 (hg19) VCF-style: chr7-105187412-C-G.
Other names: c.337C>G, p.Leu113Val (NM_001346599.2); c.-449C>G (NM_001346600.2); c.-352C>G (NM_001346601.2); c.-27-3090C>G (NM_001346603.2); c.571C>G (NM_021930.5); short protein forms L113V, L191V.
Identifiers: ClinVar variation 2126953 (VCV002126953.5), dbSNP rs750981021, ClinGen allele CA4426471.

ClinVar aggregate classification (germline): Uncertain significance. Review status: criteria provided, multiple submitters, no conflicts (2 of 4 stars). 2 submissions from 2 submitters: Uncertain significance (2). Last evaluated 2026-03-05.

Conditions:
RINT1-related disorder. Also called: RINT1-related condition.

Allele frequency attached by ClinVar (database versions not stated): ExAC 0.00002.
gnomAD v4.1: 12 of 1,613,892 alleles (0.00074%); highest among the groups gnomAD compares: South Asian, 0.013%; no homozygotes.

Submissions (2):

PreventionGenetics, part of Exact Sciences
Classification: Uncertain significance for RINT1-related condition. Last evaluated: 2026-03-05. Review status: criteria provided, single submitter. Criteria: ACMG Guidelines, 2015. Collection method: clinical testing. Allele origin: germline.
Comment: The RINT1 c.571C>G variant is predicted to result in the amino acid substitution p.Leu191Val. To our knowledge, this variant has not been reported in the literature. This variant is reported in 0.016% of alleles in individuals of South Asian descent in gnomAD. At this time, the clinical significance of this variant is uncertain due to the absence of conclusive functional and genetic evidence.

Labcorp Genetics (formerly Invitae), Labcorp
Classification: Uncertain significance. Last evaluated: 2022-07-19. Review status: criteria provided, single submitter. Criteria: Invitae Variant Classification Sherloc (09022015). Collection method: clinical testing. Allele origin: germline.
Comment: In summary, the available evidence is currently insufficient to determine the role of this variant in disease. Therefore, it has been classified as a Variant of Uncertain Significance. Algorithms developed to predict the effect of missense changes on protein structure and function (SIFT, PolyPhen-2, Align-GVGD) all suggest that this variant is likely to be tolerated. This variant has not been reported in the literature in individuals affected with RINT1-related conditions. This variant is present in population databases (rs750981021, gnomAD 0.02%). This sequence change replaces leucine, which is neutral and non-polar, with valine, which is neutral and non-polar, at codon 191 of the RINT1 protein (p.Leu191Val).